The following is an entry in ClinVar:

ClinVar aggregate classification (germline): Likely pathogenic (1 of 4 stars; one submission).

Submission:

Labcorp Genetics (formerly Invitae), Labcorp
Classification: Likely pathogenic. Last evaluated: 2025-07-14. Review status: criteria provided, single submitter. Criteria: Invitae Variant Classification Sherloc (09022015). Collection method: clinical testing. Allele origin: germline.
Comment: This sequence change replaces alanine, which is neutral and non-polar, with valine, which is neutral and non-polar, at codon 1219 of the ABCA4 protein (p.Ala1219Val). This variant is not present in population databases (gnomAD no frequency). This missense change has been observed in individual(s) with autosomal recessive Stargardt disease (internal data). Invitae Evidence Modeling of protein sequence and biophysical properties (such as structural, functional, and spatial information, amino acid conservation, physicochemical variation, residue mobility, and thermodynamic stability) has been performed for this missense variant. However, the output from this modeling did not meet the statistical confidence thresholds required to predict the impact of this variant on ABCA4 protein function. This variant disrupts the p.Ala1219 amino acid residue in ABCA4. Other variant(s) that disrupt this residue have been determined to be pathogenic (PMID: 21911583, 35120629). This suggests that this residue is clinically significant, and that variants that disrupt this residue are likely to be disease-causing. In summary, the currently available evidence indicates that the variant is pathogenic, but additional data are needed to prove that conclusively. Therefore, this variant has been classified as Likely Pathogenic.

Literature cited by the submitters: PubMed 21911583; PubMed 35120629.

NM_000350.3(ABCA4):c.3656C>T (p.Ala1219Val)

Genes: ABCA4 (ATP binding cassette subfamily A member 4; minus strand), LOC126805794 (BRD4-independent group 4 enhancer GRCh37_chr1:94502188-94503387; plus strand). Cytogenetic location: 1p22.1.
Variant type: single nucleotide variant.
Coding change: c.3656C>T on transcript NM_000350.3 (MANE Select); coding-DNA position 3656, C replaced by T.
Protein change: p.Ala1219Val; replaces alanine 1219 with valine.
Molecular consequence: missense variant.
Genome position (GRCh38, 1-based): chr1:94,037,302, G>A on the plus strand (C>T on the coding strand, the complement: ABCA4 is on the minus strand). VCF-style: chr1-94037302-G-A. GRCh37 (hg19) VCF-style: chr1-94502858-G-A.
Other names: c.3434C>T, p.Ala1145Val (NM_001425324.1); short protein forms A1145V, A1219V.
Identifiers: ClinVar variation 4745905 (VCV004745905.1).